The following is an entry in ClinVar:

NM_000660.7(TGFB1):c.1138T>C (p.Ser380Pro)

Gene: TGFB1 (transforming growth factor beta 1; minus strand). Cytogenetic location: 19q13.2.
Variant type: single nucleotide variant.
Coding change: c.1138T>C on transcript NM_000660.7 (MANE Select); coding-DNA position 1138, T replaced by C.
Protein change: p.Ser380Pro; replaces serine 380 with proline.
Molecular consequence: missense variant.
Genome position (GRCh38, 1-based): chr19:41,331,087, A>G on the plus strand (T>C on the coding strand, the complement: TGFB1 is on the minus strand). VCF-style: chr19-41331087-A-G. GRCh37 (hg19) VCF-style: chr19-41836992-A-G.
Other names: c.1138T>C (NM_000660.6); short protein forms S380P.
Identifiers: ClinVar variation 3573773 (VCV003573773.4).

ClinVar aggregate classification (germline): Uncertain significance. Review status: criteria provided, multiple submitters, no conflicts (2 of 4 stars). 3 submissions from 3 submitters: Uncertain significance (3). Last evaluated 2026-06-15.

Conditions:
TGFB1-related disorder. Also called: TGFB1-related condition.

gnomAD v4.1: 3 of 1,585,808 alleles (0.00019%); highest among the groups gnomAD compares: Non-Finnish European, 0.00026%; no homozygotes.

Submissions (3):

PreventionGenetics, part of Exact Sciences
Classification: Uncertain significance for TGFB1-related condition. Last evaluated: 2026-06-15. Review status: criteria provided, single submitter. Criteria: ACMG Guidelines, 2015. Collection method: clinical testing. Allele origin: germline.
Comment: The TGFB1 c.1138T>C variant is predicted to result in the amino acid substitution p.Ser380Pro. To our knowledge, this variant has not been reported in the literature or in population databases, including gnomAD. At this time, the clinical significance of this variant is uncertain due to the absence of conclusive functional and genetic evidence.

GeneDx
Classification: Uncertain significance. Last evaluated: 2024-07-16. Review status: criteria provided, single submitter. Criteria: GeneDx Variant Classification Process June 2021. Collection method: clinical testing. Allele origin: germline. Affected: yes.
Comment: Not observed at significant frequency in large population cohorts (gnomAD); In silico analysis supports that this missense variant has a deleterious effect on protein structure/function; Has not been previously published as pathogenic or benign to our knowledge

Labcorp Genetics (formerly Invitae), Labcorp
Classification: Uncertain significance. Last evaluated: 2024-07-08. Review status: criteria provided, single submitter. Criteria: Invitae Variant Classification Sherloc (09022015). Collection method: clinical testing. Allele origin: germline.
Comment: This sequence change replaces serine, which is neutral and polar, with proline, which is neutral and non-polar, at codon 380 of the TGFB1 protein (p.Ser380Pro). This variant is not present in population databases (gnomAD no frequency). This variant has not been reported in the literature in individuals affected with TGFB1-related conditions. Advanced modeling of protein sequence and biophysical properties (such as structural, functional, and spatial information, amino acid conservation, physicochemical variation, residue mobility, and thermodynamic stability) performed at Invitae indicates that this missense variant is not expected to disrupt TGFB1 protein function with a negative predictive value of 80%. In summary, the available evidence is currently insufficient to determine the role of this variant in disease. Therefore, it has been classified as a Variant of Uncertain Significance.